The following is an entry in ClinVar:

ClinVar aggregate classification (germline): Pathogenic/Likely pathogenic. Review status: criteria provided, multiple submitters, no conflicts (2 of 4 stars). 19 submissions from 19 submitters: Pathogenic (4); Likely pathogenic (12). 3 of the submissions do not count toward it. Last evaluated 2026-06-03.

Conditions:
PKD1-related disorder. Also called: PKD1-related condition.
PKD1-Biallelic Autosomal Recessive Polycystic Kidney Disease.
Inborn genetic diseases. Identifiers: MedGen C0950123, MeSH D030342.
Autosomal dominant polycystic kidney disease. Identifiers: Orphanet 730, MedGen C0085413, MONDO:0004691.
Polycystic kidney disease, adult type (PKD1). Also called: Polycystic Kidney Disease 1, Autosomal Dominant; Polycystic kidney disease 1; Polycystic kidney disease 1, severe; Polycystic Kidney, Autosomal Dominant; POLYCYSTIC KIDNEY DISEASE 1 WITH OR WITHOUT POLYCYSTIC LIVER DISEASE; POLYCYSTIC KIDNEY DISEASE, ADULT, TYPE I. Identifiers: MedGen C3149841, MONDO:0008263, OMIM 173900.

Submissions (19):

Institute of Human Genetics, University of Leipzig Medical Center
Classification: Likely pathogenic for Polycystic kidney disease, adult type. Last evaluated: 2026-06-03. Review status: criteria provided, single submitter. Criteria: ACMG Guidelines, 2015. Collection method: clinical testing. Allele origin: unknown. Inheritance: Autosomal dominant inheritance. Affected: yes.
Comment: Criteria applied: PS4,PM4_SUP,PM2_SUP

PreventionGenetics, part of Exact Sciences
Classification: Pathogenic for PKD1-related condition. Last evaluated: 2025-12-04. Review status: criteria provided, single submitter. Criteria: ACMG Guidelines, 2015. Collection method: clinical testing. Allele origin: germline.
Comment: The PKD1 c.8935_8937delTTC variant is predicted to result in an in-frame deletion (p.Phe2979del). This variant has been repeatedly reported in presumably unrelated patients with autosomal dominant polycystic kidney disease (ADPKD) (see for example, Carrera et al. 2016. PubMed ID: 27499327; F2978del at Bouba et al. 2001. PubMed ID: 11571556; Rossetti et al. 2007. PubMed ID: 17582161; Table S3, Bleyer et al. 2022. PubMed ID: 35325889). At PreventionGenetics, we also found this variant in patients with ADPKD (internal data). Of note, in-frame small deletions in PKD1 have been commonly found to be pathogenic for ADPKD. This variant is reported in 0.0067% of alleles in individuals of European (Non-Finnish) descent in gnomAD. This variant is interpreted as pathogenic.

Genomic Medicine Center of Excellence, King Faisal Specialist Hospital and Research Centre
Classification: Pathogenic for Polycystic kidney disease, adult type. Last evaluated: 2025-09-10. Review status: criteria provided, single submitter. Criteria: ACMG Guidelines, 2015. Collection method: clinical testing. Allele origin: germline.

Women's Health and Genetics/Laboratory Corporation of America, LabCorp
Classification: Pathogenic for PKD1-Biallelic Autosomal Recessive Polycystic Kidney Disease. Last evaluated: 2025-07-21. Review status: criteria provided, single submitter. Criteria: LabCorp Variant Classification Summary - May 2015. Collection method: clinical testing. Allele origin: germline.
Comment: Variant summary: PKD1 c.8935_8937delTTC (p.Phe2979del) results in an in-frame deletion that is predicted to remove 1 amino acid from the encoded protein. The variant was absent in 248248 control chromosomes. c.8935_8937delTTC has been observed in multiple individuals affected with Autotomsl Dominant Polycystic Kidney Disease (Bouba_2001, Kim_2019, Kasap Demir_2020, Benson_2021, Duan_2024). These data indicate that the variant is very likely to be associated with disease. To our knowledge, no experimental evidence demonstrating an impact on protein function has been reported. The following publications have been ascertained in the context of this evaluation (PMID: 33454723, 35325889, 11571556, 39019822, 33315352, 31740684). ClinVar contains an entry for this variant (Variation ID: 546087). Based on the evidence outlined above, the variant was classified as pathogenic.

Department of Pathology and Laboratory Medicine, Sinai Health System
Classification: Likely pathogenic for Polycystic kidney disease, adult type. Last evaluated: 2024-11-29. Review status: criteria provided, single submitter. Criteria: ACMG Guidelines, 2015. Collection method: clinical testing. Allele origin: germline.

Victorian Clinical Genetics Services, Murdoch Childrens Research Institute
Classification: Pathogenic for Polycystic kidney disease, adult type. Last evaluated: 2024-11-21. Review status: criteria provided, single submitter. Criteria: ACMG Guidelines, 2015. Collection method: clinical testing. Allele origin: germline. Affected: yes.
Comment: This variant is classified as Pathogenic. Evidence in support of pathogenic classification: In-frame insertion/deletion in a non-repetitive region that has high conservation; Variant is present in gnomAD <0.001 for a dominant condition (v4: 1 heterozygote(s), 0 homozygote(s)); This variant has strong previous evidence of pathogenicity in unrelated individuals. It has been classified as likely pathogenic by multiple clinical laboratories (ClinVar). This variant has also been reported in the literature in at least two unrelated individuals with ADPKD (PMID: 33315352, 17582161). Additional information: This variant is suspected mosaic; This gene is associated with autosomal dominant disease. Polycystic kidney disease 1 (MIM#173900) is predominantly caused by monoallelic variants, with rare reports of biallelic variants causing disease (OMIM); No comparable deletion variants have previous evidence for pathogenicity; Variant is not located in an established domain, motif, hotspot or informative constraint region; Loss of function is a known mechanism of disease in this gene and is associated with polycystic kidney disease 1 (MIM#173900); Inheritance information for this variant is not currently available in this individual.

Fulgent Genetics
Classification: Likely pathogenic for Polycystic kidney disease, adult type. Last evaluated: 2024-06-19. Review status: criteria provided, single submitter. Criteria: ACMG Guidelines, 2015. Collection method: clinical testing. Allele origin: germline.

Molecular Genetics of Inherited Kidney Disorders Laboratory, Garvan Institute of Medical Research
Classification: Likely pathogenic for Autosomal dominant polycystic kidney disease. Last evaluated: 2024-06-05. Review status: criteria provided, single submitter. Criteria: ACMG Guidelines, 2015. Collection method: research. Allele origin: germline. Affected: yes.

Ambry Genetics
Classification: Likely pathogenic for Inborn genetic diseases. Last evaluated: 2024-01-05. Review status: criteria provided, single submitter. Criteria: Ambry Variant Classification Scheme 2023. Collection method: clinical testing. Allele origin: germline.
Comment: The c.8935_8937delTTC (p.F2979del) alteration is located in exon 24 (coding exon 24) of the PKD1 gene. This alteration consists of an in-frame deletion of 3 nucleotides between nucleotide positions c.8935 and c.8937, resulting in the deletion of <NA> residues. This allele was reported in one heterozygous individual in population-based cohorts in the Genome Aggregation Database (gnomAD). This alteration has been detected in the heterozygous state in multiple individuals with clinical features of PKD1-related polycystic kidney disease (Kasap, 2021; Mantovani, 2020; Kim, 2019; Carrera, 2016; Rossetti, 2007; Bouba, 2001; Benson, 2021; external communication). This amino acid position is highly conserved in available vertebrate species. This alteration is predicted to be deleterious by in silico analysis (Choi, 2012). Based on the available evidence, this alteration is classified as likely pathogenic.

Institute of Medical Genetics and Applied Genomics, University Hospital Tübingen
Classification: Likely pathogenic for Polycystic kidney disease, adult type. Last evaluated: 2023-08-22. Review status: criteria provided, single submitter. Criteria: ACMG Guidelines, 2015. Collection method: clinical testing. Allele origin: germline. Inheritance: Autosomal dominant inheritance. Affected: yes.

Blueprint Genetics
Classification: Likely pathogenic for PKD1-related disorders. Last evaluated: 2023-03-14. Review status: criteria provided, single submitter. Criteria: ACMG Guidelines, 2015. Collection method: clinical testing. Allele origin: germline. Affected: yes. Observed: 2 variant alleles.

GeneDx
Classification: Likely pathogenic. Last evaluated: 2023-02-02. Review status: criteria provided, single submitter. Criteria: GeneDx Variant Classification Process June 2021. Collection method: clinical testing. Allele origin: germline. Affected: yes.
Comment: In-frame deletion of 1 amino acid in a non-repeat region; Not observed at significant frequency in large population cohorts (gnomAD); In silico analysis supports a deleterious effect on protein structure/function; This variant is associated with the following publications: (PMID: 11571556, 31740684, 33454723, 17582161, 27499327)

Department of Human Genetics, Hannover Medical School
Classification: Likely pathogenic for Polycystic kidney disease, adult type. Last evaluated: 2022-07-25. Review status: criteria provided, single submitter. Criteria: ACMG Guidelines, 2015. Collection method: clinical testing. Allele origin: germline. Inheritance: Autosomal dominant inheritance. Affected: yes.

CeGaT Center for Human Genetics Tuebingen
Classification: Likely pathogenic. Last evaluated: 2021-07-01. Review status: criteria provided, single submitter. Criteria: CeGaT Center For Human Genetics Tuebingen Variant Classification Criteria Version 2. Collection method: clinical testing. Allele origin: germline. Affected: yes. Observed: 2 variant alleles.

Cavalleri Lab, Royal College of Surgeons in Ireland
Classification: Likely pathogenic for Polycystic kidney disease, adult type. Last evaluated: 2020-02-05. Review status: criteria provided, single submitter. Criteria: ACMG Guidelines, 2015. Collection method: research. Allele origin: unknown. Inheritance: Autosomal dominant inheritance. Affected: yes.
Comment: PM2, PM4, PP4, PP5

Juno Genomics, Hangzhou Juno Genomics, Inc
Classification: Likely pathogenic for Polycystic kidney disease, adult type. Review status: criteria provided, single submitter. Criteria: ACMG Guidelines, 2015. Collection method: clinical testing. Allele origin: germline. Affected: yes.
Comment: Absent from controls (or at extremely low frequency if recessive) in Genome Aggregation Database, Exome Sequencing Project, 1000 Genomes Project, or Exome Aggregation Consortium.;Protein length changes due to in-frame deletions/insertions in a non-repeat region or stop-loss variants.;The prevalence of the variant in affected individuals is significantly increased compared to the prevalence in controls.;Patient's phenotype or family history is highly specific for a disease with a single genetic etiology.

Zotz-Klimas Genetics Lab, MVZ Zotz Klimas
Classification: Likely pathogenic for Polycystic kidney disease, adult type. Last evaluated: 2023-10-09. Review status: no assertion criteria provided. Collection method: clinical testing. Allele origin: germline. Affected: yes. Not counted in ClinVar's aggregate classification.

Genome Diagnostics Laboratory, University Medical Center Utrecht
Classification: Likely pathogenic. Review status: no assertion criteria provided. Collection method: clinical testing. Allele origin: germline. Affected: yes. Study: VKGL Data-share Consensus. Not counted in ClinVar's aggregate classification.

Laboratory of Diagnostic Genome Analysis, Leiden University Medical Center (LUMC)
Classification: Likely pathogenic. Review status: no assertion criteria provided. Collection method: clinical testing. Allele origin: germline. Affected: yes. Study: VKGL Data-share Consensus. Not counted in ClinVar's aggregate classification.

Literature cited by the submitters: PubMed 33454723 (cited by 3 submitters); PubMed 31740684 (cited by 3 submitters); PubMed 35325889 (cited by Women's Health and Genetics/Laboratory Corporation of America, LabCorp); PubMed 39019822 (cited by Women's Health and Genetics/Laboratory Corporation of America, LabCorp); PubMed 33315352 (cited by 4 submitters); PubMed 11571556 (cited by 3 submitters); PubMed 32457805 (cited by Department of Pathology and Laboratory Medicine, Sinai Health System and Ambry Genetics); PubMed 27499327 (cited by Department of Pathology and Laboratory Medicine, Sinai Health System and Ambry Genetics); PubMed 17582161 (cited by 3 submitters).

NM_001009944.3(PKD1):c.8932TTC[1] (p.Phe2979del)

Genes: MIR6511B1 (microRNA 6511b-1; minus strand), PKD1 (polycystin 1, transient receptor potential channel interacting; minus strand). Cytogenetic location: 16p13.3.
Variant type: Microsatellite.
Coding change: c.8932TTC[1] on transcript NM_001009944.3 (MANE Select); one copy of the 3-base unit TTC starting at c.8932; the reference has two copies in a row; one copy, 3 bases deleted; also written c.8935_8937del.
Protein change: p.Phe2979del; deletes phenylalanine 2979.
Molecular consequence: inframe deletion.
Genome position (GRCh38, 1-based): chr16:2,102,825-2,102,827, GAA deleted on the plus strand (TTC on the coding strand, the reverse complement: PKD1 is on the minus strand); deleting any 3 consecutive bases within chr16:2,102,825-2,102,831 gives the same sequence; the position shown is the placement nearest the transcript's 3' end. VCF-style (leftmost placement, unchanged base first): chr16-2102824-TGAA-T. GRCh37 (hg19) VCF-style: chr16-2152825-TGAA-T.
Other names: p.2979_2979del; c.8935_8937delTTC (NM_001009944.3, NM_000296.3); c.8935_8937del (NM_001009944.3, NM_001009944.2); c.8932TTC[1], p.Phe2979del (NM_000296.4); short protein forms F2979del.
Identifiers: ClinVar variation 546087 (VCV000546087.59), dbSNP rs1358948221, ClinGen allele CA620705581.